The following is an entry in ClinVar:

ClinVar aggregate classification (germline): Uncertain significance (1 of 4 stars; one submission).

Conditions:
Mucopolysaccharidosis, MPS-II (MPS2). Also called: Hunter Syndrome; IDURONATE 2-SULFATASE DEFICIENCY; Mucopolysaccharidosis Type II; Mucopolysaccharidosis type 2; Attenuated MPS (subtype; formerly known as mild MPS II); Severe MPS II. Identifiers: Orphanet 580, Orphanet 79388, MedGen C0026705, MONDO:0010674, OMIM 309900.

Submission:

Laboratory of Diagnosis and Therapy of Lysosomal Disorders, University of Padova
Classification: Uncertain significance for Mucopolysaccharidosis, MPS-II. Last evaluated: 2024-06-07. Review status: criteria provided, single submitter. Criteria: ACMG Guidelines, 2015. Collection method: literature only. Allele origin: germline. Affected: yes. Observed: 1 variant allele.
Comment: Absent from controls (or at low frequency) in gnomAD database (PM2_Moderate), Patient’s phenotype or family history highly specific for the disease (PP4_Moderate)

Classification method: ACMG Guidelines [PMID:25741868] with modifications

Literature cited by the submitters: PubMed 24125893.

NM_000202.8(IDS):c.1007-15_1007-9delinsGTGGGCTCTAGG

Genes: IDS (iduronate 2-sulfatase; minus strand), LOC106050102 (IDS recombination region; plus strand). Cytogenetic location: Xq28.
Variant type: Indel.
Coding change: c.1007-15_1007-9delinsGTGGGCTCTAGG on transcript NM_000202.8 (MANE Select); 15 bases into the intron before coding-DNA position 1007 through 9 bases into the intron before coding-DNA position 1007, CTTTTTA replaced by GTGGGCTCTAGG.
Molecular consequence: intron variant.
Genome position (GRCh38, 1-based): chrX:149,487,107-149,487,113, TAAAAAG replaced by CCTAGAGCCCAC on the plus strand (CTTTTTA replaced by GTGGGCTCTAGG on the coding strand, the reverse complement: IDS is on the minus strand). VCF-style: chrX-149487107-TAAAAAG-CCTAGAGCCCAC. GRCh37 (hg19) VCF-style: chrX-148568638-TAAAAAG-CCTAGAGCCCAC.
Other names: c.737-15_737-9delinsGTGGGCTCTAGG (NM_001166550.4); c.1007-16_1007-9delinsGGTGGGCTCTAGG (NM_000202.8).
Identifiers: ClinVar variation 3255914 (VCV003255914.2).